The following is an entry in ClinVar:

ClinVar aggregate classification (germline): Uncertain significance. Review status: criteria provided, multiple submitters, no conflicts (2 of 4 stars). 2 submissions from 2 submitters: Uncertain significance (2). Last evaluated 2024-05-23.

Conditions:
Saldino-Mainzer syndrome (SRTD9). Also called: short-rib thoracic dysplasia 9 with or without polydactyly; CONORENAL SYNDROME; Renal dysplasia, retinal pigmentary dystrophy, cerebellar ataxia and skeletal dysplasia; SHORT-RIB THORACIC DYSPLASIA 9 WITHOUT POLYDACTYLY. Identifiers: Orphanet 140969, MedGen C1849437, MONDO:0009964, OMIM 266920.
Retinitis pigmentosa 80 (RP80). Identifiers: MedGen C4540439, MONDO:0054708, OMIM 617781.

Allele frequency attached by ClinVar (database versions not stated): 1000 Genomes Project 30x 0.00016; 1000 Genomes Project 0.00020.
gnomAD v4.1: 14 of 1,611,632 alleles (0.00087%); highest among the groups gnomAD compares: East Asian, 0.0067%; no homozygotes.

Submissions (2):

Fulgent Genetics
Classification: Uncertain significance for Saldino-Mainzer syndrome; Retinitis pigmentosa 80. Last evaluated: 2024-05-23. Review status: criteria provided, single submitter. Criteria: ACMG Guidelines, 2015. Collection method: clinical testing. Allele origin: germline.

Labcorp Genetics (formerly Invitae), Labcorp
Classification: Uncertain significance for Saldino-Mainzer syndrome. Last evaluated: 2022-07-27. Review status: criteria provided, single submitter. Criteria: Invitae Variant Classification Sherloc (09022015). Collection method: clinical testing. Allele origin: germline.
Comment: This sequence change replaces arginine, which is basic and polar, with cysteine, which is neutral and slightly polar, at codon 1044 of the IFT140 protein (p.Arg1044Cys). In summary, the available evidence is currently insufficient to determine the role of this variant in disease. Therefore, it has been classified as a Variant of Uncertain Significance. Algorithms developed to predict the effect of missense changes on protein structure and function are either unavailable or do not agree on the potential impact of this missense change (SIFT: "Deleterious"; PolyPhen-2: "Possibly Damaging"; Align-GVGD: "Class C0"). This missense change has been observed in individual(s) with inherited retinal degeneration (PMID: 32037395). This variant is present in population databases (rs574483494, gnomAD 0.005%).

Literature cited by the submitters: PubMed 32037395 (cited by Labcorp Genetics (formerly Invitae), Labcorp).

NM_014714.4(IFT140):c.3130C>T (p.Arg1044Cys)

Genes: IFT140 (intraflagellar transport 140; minus strand), LOC126862260 (CDK7 strongly-dependent group 2 enhancer GRCh37_chr16:1574508-1575707; plus strand). Cytogenetic location: 16p13.3.
Variant type: single nucleotide variant.
Coding change: c.3130C>T on transcript NM_014714.4 (MANE Select); coding-DNA position 3130, C replaced by T.
Protein change: p.Arg1044Cys; replaces arginine 1044 with cysteine.
Molecular consequence: missense variant.
Genome position (GRCh38, 1-based): chr16:1,524,563, G>A on the plus strand (C>T on the coding strand, the complement: IFT140 is on the minus strand). VCF-style: chr16-1524563-G-A. GRCh37 (hg19) VCF-style: chr16-1574564-G-A.
Other names: short protein forms R1044C.
Identifiers: ClinVar variation 2183346 (VCV002183346.4), dbSNP rs574483494, ClinGen allele CA276679779.